The following is an entry in ClinVar:

ClinVar aggregate classification (germline): Uncertain significance (1 of 4 stars; one submission).

Allele frequency attached by ClinVar (database versions not stated): gnomAD exomes below 0.00001; TOPMed 0.00001.
gnomAD v4.1: 3 of 1,613,758 alleles (0.00019%); highest among the groups gnomAD compares: Non-Finnish European, 0.00025%; no homozygotes.

Submission:

Labcorp Genetics (formerly Invitae), Labcorp
Classification: Uncertain significance. Last evaluated: 2022-04-16. Review status: criteria provided, single submitter. Criteria: Invitae Variant Classification Sherloc (09022015). Collection method: clinical testing. Allele origin: germline.
Comment: In summary, the available evidence is currently insufficient to determine the role of this variant in disease. Therefore, it has been classified as a Variant of Uncertain Significance. This sequence change replaces glycine, which is neutral and non-polar, with arginine, which is basic and polar, at codon 1156 of the AEBP1 protein (p.Gly1156Arg). This variant is not present in population databases (gnomAD no frequency). This variant has not been reported in the literature in individuals affected with AEBP1-related conditions. Algorithms developed to predict the effect of missense changes on protein structure and function are either unavailable or do not agree on the potential impact of this missense change (SIFT: "Deleterious"; PolyPhen-2: "Not Available"; Align-GVGD: "Class C0").

NM_001129.5(AEBP1):c.3466G>A (p.Gly1156Arg)

Gene: AEBP1 (AE binding protein 1; plus strand). Cytogenetic location: 7p13.
Variant type: single nucleotide variant.
Coding change: c.3466G>A on transcript NM_001129.5 (MANE Select); coding-DNA position 3466, G replaced by A.
Protein change: p.Gly1156Arg; replaces glycine 1156 with arginine.
Molecular consequence: missense variant.
Genome position (GRCh38, 1-based): chr7:44,114,250, G>A. VCF-style: chr7-44114250-G-A. GRCh37 (hg19) VCF-style: chr7-44153849-G-A.
Other names: short protein forms G1156R.
Identifiers: ClinVar variation 2191319 (VCV002191319.4), dbSNP rs890728739, ClinGen allele CA157884587.